The following is an entry in ClinVar:

NM_020923.3(ZDBF2):c.5180A>G (p.Lys1727Arg)

Gene: ZDBF2 (zinc finger DBF-type containing 2; plus strand). Cytogenetic location: 2q33.3.
Variant type: single nucleotide variant.
Coding change: c.5180A>G on transcript NM_020923.3 (MANE Select); coding-DNA position 5180, A replaced by G.
Protein change: p.Lys1727Arg; replaces lysine 1727 with arginine.
Molecular consequence: missense variant.
Genome position (GRCh38, 1-based): chr2:206,309,708, A>G. VCF-style: chr2-206309708-A-G. GRCh37 (hg19) VCF-style: chr2-207174432-A-G.
Other names: c.5174A>G, p.Lys1725Arg (NM_001285549.2); c.5180A>G, p.Lys1727Arg (NM_001369654.1); short protein forms K1725R, K1727R.
Identifiers: ClinVar variation 2183079 (VCV002183079.4), dbSNP rs763983315, ClinGen allele CA2072421.

ClinVar aggregate classification (germline): Uncertain significance (1 of 4 stars; one submission).

Allele frequency attached by ClinVar (database versions not stated): gnomAD 0.00001; TOPMed 0.00002; ExAC 0.00003; gnomAD exomes 0.00003.

Submission:

Labcorp Genetics (formerly Invitae), Labcorp
Classification: Uncertain significance. Last evaluated: 2022-03-04. Review status: criteria provided, single submitter. Criteria: Invitae Variant Classification Sherloc (09022015). Collection method: clinical testing. Allele origin: germline.
Comment: This variant has not been reported in the literature in individuals affected with ZDBF2-related conditions. This sequence change replaces lysine, which is basic and polar, with arginine, which is basic and polar, at codon 1727 of the ZDBF2 protein (p.Lys1727Arg). This variant is present in population databases (rs763983315, gnomAD 0.03%). Algorithms developed to predict the effect of missense changes on protein structure and function output the following: SIFT: "Tolerated"; PolyPhen-2: "Benign"; Align-GVGD: "Class C0". The arginine amino acid residue is found in multiple mammalian species, which suggests that this missense change does not adversely affect protein function. In summary, the available evidence is currently insufficient to determine the role of this variant in disease. Therefore, it has been classified as a Variant of Uncertain Significance.